The following is an entry in ClinVar:

NM_001613.4(ACTA2):c.165C>G (p.Tyr55Ter)

Gene: ACTA2 (actin alpha 2, smooth muscle; minus strand). Cytogenetic location: 10q23.31.
Variant type: single nucleotide variant.
Coding change: c.165C>G on transcript NM_001613.4 (MANE Select); coding-DNA position 165, C replaced by G.
Protein change: p.Tyr55Ter; replaces tyrosine 55 with a stop codon.
Molecular consequence: nonsense. On other transcripts: intron variant (3).
Genome position (GRCh38, 1-based): chr10:88,947,351, G>C on the plus strand (C>G on the coding strand, the complement: ACTA2 is on the minus strand). VCF-style: chr10-88947351-G-C. GRCh37 (hg19) VCF-style: chr10-90707108-G-C.
Other names: c.165C>G, p.Tyr55Ter (NM_001141945.3, NM_001320855.2, NM_001406462.1 and 4 more transcripts); c.129+1451C>G (NM_001406467.1, NM_001406468.1, NM_001406469.1); short protein forms Y55*.
Identifiers: ClinVar variation 3655557 (VCV003655557.2).

ClinVar aggregate classification (germline): Uncertain significance (1 of 4 stars; one submission).

Conditions:
Aortic aneurysm, familial thoracic 6 (AAT6). Also called: FAMILIAL THORACIC AORTIC ANEURYSM WITH LIVEDO RETICULARIS AND IRIS FLOCCULI. Identifiers: MedGen C2673186, MONDO:0012730, OMIM 611788.

Submission:

Labcorp Genetics (formerly Invitae), Labcorp
Classification: Uncertain significance for Aortic aneurysm, familial thoracic 6. Last evaluated: 2024-06-04. Review status: criteria provided, single submitter. Criteria: Invitae Variant Classification Sherloc (09022015). Collection method: clinical testing. Allele origin: germline.
Comment: This sequence change creates a premature translational stop signal (p.Tyr55*) in the ACTA2 gene. It is expected to result in an absent or disrupted protein product. However, the current clinical and genetic evidence is not sufficient to establish whether loss-of-function variants in ACTA2 cause disease. This variant is not present in population databases (gnomAD no frequency). This variant has not been reported in the literature in individuals affected with ACTA2-related conditions. In summary, the available evidence is currently insufficient to determine the role of this variant in disease. Therefore, it has been classified as a Variant of Uncertain Significance.